The following is an entry in ClinVar:

NM_173660.5(DOK7):c.987G>C (p.Glu329Asp)

Gene: DOK7 (docking protein 7; plus strand). Cytogenetic location: 4p16.3.
Variant type: single nucleotide variant.
Coding change: c.987G>C on transcript NM_173660.5 (MANE Select); coding-DNA position 987, G replaced by C.
Protein change: p.Glu329Asp; replaces glutamic acid 329 with aspartic acid.
Molecular consequence: missense variant. On other transcripts: 3 prime UTR variant (1).
Genome position (GRCh38, 1-based): chr4:3,492,973, G>C. VCF-style: chr4-3492973-G-C. GRCh37 (hg19) VCF-style: chr4-3494700-G-C.
Other names: c.*208G>C (NM_001164673.2); c.57G>C, p.Glu19Asp (NM_001256896.2); c.987G>C, p.Glu329Asp (NM_001301071.2); c.555G>C, p.Glu185Asp (NM_001363811.2); short protein forms E185D, E19D, E329D.
Identifiers: ClinVar variation 2144677 (VCV002144677.4), dbSNP rs758027072, ClinGen allele CA356116615.
Genomic context (GRCh38, chr4:3,492,973, plus strand): 5'-AGCCATGGTGGGTGCCTCAAGGCCACCCCCCAAGCCGCTGCGTCCGCGGCAGCTGCAGGA[G>C]GTTGGCCGCCAGAGCTCCTCGGACAGCGGCATCGCCACTGGCAGCCACTCCTCTTACTCC-3'
Protein context (NP_775931.3, residues 319-339): PKPLRPRQLQ[Glu329Asp]VGRQSSSDSG

ClinVar aggregate classification (germline): Uncertain significance (1 of 4 stars; one submission).

Conditions:
Congenital myasthenic syndrome 10. Also called: Myasthenia, limb-girdle, familial. Identifiers: Orphanet 590, MedGen C1850792, MONDO:0009690, OMIM 254300.
Fetal akinesia deformation sequence 1 (FADS1). Also called: Fetal akinesia sequence; Pena-Shokeir syndrome type I. Identifiers: Orphanet 994, MedGen C1276035, MONDO:0100101, OMIM 208150, HP:0001989.

Submission:

Labcorp Genetics (formerly Invitae), Labcorp
Classification: Uncertain significance for Congenital myasthenic syndrome 10; Fetal akinesia deformation sequence 1. Last evaluated: 2022-07-21. Review status: criteria provided, single submitter. Criteria: Invitae Variant Classification Sherloc (09022015). Collection method: clinical testing. Allele origin: germline.
Comment: In summary, the available evidence is currently insufficient to determine the role of this variant in disease. Therefore, it has been classified as a Variant of Uncertain Significance. Algorithms developed to predict the effect of missense changes on protein structure and function are either unavailable or do not agree on the potential impact of this missense change (SIFT: "Tolerated"; PolyPhen-2: "Possibly Damaging"; Align-GVGD: "Class C0"). This variant has not been reported in the literature in individuals affected with DOK7-related conditions. This variant is not present in population databases (gnomAD no frequency). This sequence change replaces glutamic acid, which is acidic and polar, with aspartic acid, which is acidic and polar, at codon 329 of the DOK7 protein (p.Glu329Asp).